The following is an entry in ClinVar:

NM_001080449.3(DNA2):c.217T>A (p.Ser73Thr)

Gene: DNA2 (DNA replication helicase/nuclease 2; minus strand). Cytogenetic location: 10q21.3.
Variant type: single nucleotide variant.
Coding change: c.217T>A on transcript NM_001080449.3 (MANE Select); coding-DNA position 217, T replaced by A.
Protein change: p.Ser73Thr; replaces serine 73 with threonine.
Molecular consequence: missense variant. On other transcripts: non-coding transcript variant (1).
Genome position (GRCh38, 1-based): chr10:68,470,021, A>T on the plus strand (T>A on the coding strand, the complement: DNA2 is on the minus strand). VCF-style: chr10-68470021-A-T. GRCh37 (hg19) VCF-style: chr10-70229778-A-T.
Other names: short protein forms S73T.
Identifiers: ClinVar variation 2901480 (VCV002901480.3), dbSNP rs371059794, ClinGen allele CA5525353.

ClinVar aggregate classification (germline): Uncertain significance (1 of 4 stars; one submission).

Allele frequency attached by ClinVar (database versions not stated): gnomAD exomes below 0.00001; ExAC 0.00001; gnomAD 0.00001; TOPMed 0.00001; ESP Exome Variant Server 0.00008.
gnomAD v4.1: 2 of 1,610,420 alleles (0.00012%); highest among the groups gnomAD compares: African/African-American, 0.0027%; no homozygotes.

Submission:

Labcorp Genetics (formerly Invitae), Labcorp
Classification: Uncertain significance. Last evaluated: 2023-06-17. Review status: criteria provided, single submitter. Criteria: Invitae Variant Classification Sherloc (09022015). Collection method: clinical testing. Allele origin: germline.
Comment: In summary, the available evidence is currently insufficient to determine the role of this variant in disease. Therefore, it has been classified as a Variant of Uncertain Significance. Advanced modeling of protein sequence and biophysical properties (such as structural, functional, and spatial information, amino acid conservation, physicochemical variation, residue mobility, and thermodynamic stability) performed at Invitae indicates that this missense variant is not expected to disrupt DNA2 protein function. This variant has not been reported in the literature in individuals affected with DNA2-related conditions. This variant is present in population databases (rs371059794, gnomAD 0.02%). This sequence change replaces serine, which is neutral and polar, with threonine, which is neutral and polar, at codon 73 of the DNA2 protein (p.Ser73Thr).